The following is an entry in ClinVar:

NM_000399.5(EGR2):c.1195G>T (p.Ala399Ser)

Gene: EGR2 (early growth response 2; minus strand). Cytogenetic location: 10q21.3.
Variant type: single nucleotide variant.
Coding change: c.1195G>T on transcript NM_000399.5 (MANE Select); coding-DNA position 1195, G replaced by T.
Protein change: p.Ala399Ser; replaces alanine 399 with serine.
Molecular consequence: missense variant.
Genome position (GRCh38, 1-based): chr10:62,813,443, C>A on the plus strand (G>T on the coding strand, the complement: EGR2 is on the minus strand). VCF-style: chr10-62813443-C-A. GRCh37 (hg19) VCF-style: chr10-64573203-C-A.
Other names: c.1195G>T, p.Ala399Ser (NM_001136177.3, NM_001136178.2); c.1045G>T, p.Ala349Ser (NM_001136179.3, NM_001321037.2); c.1234G>T, p.Ala412Ser (NM_001410931.1); short protein forms A349S, A412S, A399S.
Identifiers: ClinVar variation 1745912 (VCV001745912.7), dbSNP rs771331587, ClinGen allele CA5517168.

ClinVar aggregate classification (germline): Uncertain significance. Review status: criteria provided, multiple submitters, no conflicts (2 of 4 stars). 2 submissions from 2 submitters: Uncertain significance (2). Last evaluated 2025-01-22.

Conditions:
Inborn genetic diseases. Identifiers: MedGen C0950123, MeSH D030342.
Charcot-Marie-Tooth disease, type I (CMT1). Also called: Charcot-Marie-Tooth, Type 1; Charcot-Marie-Tooth disease type 1. Identifiers: Orphanet 65753, MedGen C0751036, MONDO:0019011.

Allele frequency attached by ClinVar (database versions not stated): ExAC 0.00001; TOPMed 0.00001.
gnomAD v4.1: 3 of 1,614,186 alleles (0.00019%); highest among the groups gnomAD compares: Admixed American, 0.0033%; no homozygotes.

Submissions (2):

Labcorp Genetics (formerly Invitae), Labcorp
Classification: Uncertain significance for Charcot-Marie-Tooth disease, type I. Last evaluated: 2025-01-22. Review status: criteria provided, single submitter. Criteria: Invitae Variant Classification Sherloc (09022015). Collection method: clinical testing. Allele origin: germline.
Comment: This sequence change replaces alanine, which is neutral and non-polar, with serine, which is neutral and polar, at codon 399 of the EGR2 protein (p.Ala399Ser). This variant is present in population databases (rs771331587, gnomAD 0.006%). This variant has not been reported in the literature in individuals affected with EGR2-related conditions. ClinVar contains an entry for this variant (Variation ID: 1745912). Invitae Evidence Modeling of protein sequence and biophysical properties (such as structural, functional, and spatial information, amino acid conservation, physicochemical variation, residue mobility, and thermodynamic stability) indicates that this missense variant is not expected to disrupt EGR2 protein function with a negative predictive value of 80%. In summary, the available evidence is currently insufficient to determine the role of this variant in disease. Therefore, it has been classified as a Variant of Uncertain Significance.

Ambry Genetics
Classification: Uncertain significance for Inborn genetic diseases. Last evaluated: 2019-09-26. Review status: criteria provided, single submitter. Criteria: Ambry Variant Classification Scheme 2023. Collection method: clinical testing. Allele origin: germline.
Comment: The p.A399S variant (also known as c.1195G>T), located in coding exon 2 of the EGR2 gene, results from a G to T substitution at nucleotide position 1195. The alanine at codon 399 is replaced by serine, an amino acid with similar properties. This amino acid position is highly conserved in available vertebrate species. In addition, this alteration is predicted to be tolerated by in silico analysis. Since supporting evidence is limited at this time, the clinical significance of this alteration remains unclear.